The following is an entry in ClinVar:

NM_000138.5(FBN1):c.6162A>G (p.Gln2054=)

Gene: FBN1 (fibrillin 1; minus strand). Cytogenetic location: 15q21.1.
Variant type: single nucleotide variant.
Coding change: c.6162A>G on transcript NM_000138.5 (MANE Select); coding-DNA position 6162, A replaced by G.
Protein change: p.Gln2054=; no amino-acid change (glutamine 2054 retained).
Molecular consequence: synonymous variant.
Genome position (GRCh38, 1-based): chr15:48,441,722, T>C on the plus strand (A>G on the coding strand, the complement: FBN1 is on the minus strand). VCF-style: chr15-48441722-T-C. GRCh37 (hg19) VCF-style: chr15-48733919-T-C.
Other names: c.6162A>G, p.Gln2054= (NM_001406716.1).
Identifiers: ClinVar variation 1954536 (VCV001954536.2), dbSNP rs2505445852, ClinGen allele CA490021242.

ClinVar aggregate classification (germline): Uncertain significance (1 of 4 stars; one submission).

Conditions:
Familial thoracic aortic aneurysm and aortic dissection (TAAD). Also called: Thoracic aortic aneurysms and dissections. Identifiers: Orphanet 91387, MedGen C4707243, MONDO:0019625.
Marfan syndrome (MFS). Also called: MARFAN SYNDROME, TYPE I; Marfan syndrome type 1; Marfan's syndrome; Marfan syndrome, classic; FBN1-Related Marfan Syndrome. Identifiers: Orphanet 284963, Orphanet 558, MedGen C0024796, MONDO:0007947, OMIM 154700.

Submission:

Labcorp Genetics (formerly Invitae), Labcorp
Classification: Uncertain significance for Marfan syndrome; Familial thoracic aortic aneurysm and aortic dissection. Last evaluated: 2022-09-07. Review status: criteria provided, single submitter. Criteria: Invitae Variant Classification Sherloc (09022015). Collection method: clinical testing. Allele origin: germline.
Comment: This sequence change affects codon 2054 of the FBN1 mRNA. It is a 'silent' change, meaning that it does not change the encoded amino acid sequence of the FBN1 protein. It affects a nucleotide within the consensus splice site. This variant is not present in population databases (gnomAD no frequency). This variant has been observed in individual(s) with clinical features of FBN1-related conditions (Invitae). Algorithms developed to predict the effect of sequence changes on RNA splicing suggest that this variant is not likely to affect RNA splicing. In summary, the available evidence is currently insufficient to determine the role of this variant in disease. Therefore, it has been classified as a Variant of Uncertain Significance.